The following is an entry in ClinVar:

NM_014297.5(ETHE1):c.226+6T>C

Gene: ETHE1 (ETHE1 persulfide dioxygenase; minus strand). Cytogenetic location: 19q13.31.
Variant type: single nucleotide variant.
Coding change: c.226+6T>C on transcript NM_014297.5 (MANE Select); 6 bases into the intron after coding-DNA position 226, T replaced by C.
Molecular consequence: intron variant.
Genome position (GRCh38, 1-based): chr19:43,526,509, A>G on the plus strand (T>C on the coding strand, the complement: ETHE1 is on the minus strand). VCF-style: chr19-43526509-A-G. GRCh37 (hg19) VCF-style: chr19-44030661-A-G.
Other names: c.81+588T>C (NM_001320869.2); c.6+6T>C (NM_001320868.2); c.226+6T>C (NM_001320867.2).
Identifiers: ClinVar variation 1450982 (VCV001450982.6), dbSNP rs2146019490, ClinGen allele CA507737937.

ClinVar aggregate classification (germline): Uncertain significance (1 of 4 stars; one submission).

Conditions:
Ethylmalonic encephalopathy (EE). Also called: Syndrome of encephalopathy, petechiae, and ethylmalonic aciduria; EPEMA syndrome; Encephalopathy, petechiae, and ethylmalonic aciduria. Identifiers: Orphanet 51188, MedGen C1865349, MONDO:0011229, OMIM 602473. Disease mechanism: loss of function.

Submission:

Labcorp Genetics (formerly Invitae), Labcorp
Classification: Uncertain significance for Ethylmalonic encephalopathy. Last evaluated: 2023-11-27. Review status: criteria provided, single submitter. Criteria: Invitae Variant Classification Sherloc (09022015). Collection method: clinical testing. Allele origin: germline.
Comment: This sequence change falls in intron 2 of the ETHE1 gene. It does not directly change the encoded amino acid sequence of the ETHE1 protein. It affects a nucleotide within the consensus splice site. This variant is not present in population databases (gnomAD no frequency). This variant has not been reported in the literature in individuals affected with ETHE1-related conditions. ClinVar contains an entry for this variant (Variation ID: 1450982). Variants that disrupt the consensus splice site are a relatively common cause of aberrant splicing (PMID: 17576681, 9536098). Algorithms developed to predict the effect of sequence changes on RNA splicing suggest that this variant may disrupt the consensus splice site. In summary, the available evidence is currently insufficient to determine the role of this variant in disease. Therefore, it has been classified as a Variant of Uncertain Significance.

Literature cited by the submitters: PubMed 17576681; PubMed 9536098.